The following is an entry in ClinVar:

NM_005450.6(NOG):c.535T>C (p.Phe179Leu)

Gene: NOG (noggin; plus strand). Cytogenetic location: 17q22.
Variant type: single nucleotide variant.
Coding change: c.535T>C on transcript NM_005450.6 (MANE Select); coding-DNA position 535, T replaced by C.
Protein change: p.Phe179Leu; replaces phenylalanine 179 with leucine.
Molecular consequence: missense variant.
Genome position (GRCh38, 1-based): chr17:56,594,758, T>C. VCF-style: chr17-56594758-T-C. GRCh37 (hg19) VCF-style: chr17-54672119-T-C.
Other names: c.535T>C (NM_005450.4); short protein forms F179L.
Identifiers: ClinVar variation 3694045 (VCV003694045.3).

ClinVar aggregate classification (germline): Uncertain significance. Review status: criteria provided, multiple submitters, no conflicts (2 of 4 stars). 2 submissions from 2 submitters: Uncertain significance (2). Last evaluated 2025-03-14.

Conditions:
NOG-related disorder. Also called: NOG-related condition; NOG-related disorders.

Submissions (2):

PreventionGenetics, part of Exact Sciences
Classification: Uncertain significance for NOG-related condition. Last evaluated: 2025-03-14. Review status: criteria provided, single submitter. Criteria: ACMG Guidelines, 2015. Collection method: clinical testing. Allele origin: germline.
Comment: The NOG c.535T>C variant is predicted to result in the amino acid substitution p.Phe179Leu. To our knowledge, this variant has not been reported in the literature. This variant is reported in 0.0062% of alleles in individuals of European (Non-Finnish) descent in gnomAD. At this time, the clinical significance of this variant is uncertain due to the absence of conclusive functional and genetic evidence.

Labcorp Genetics (formerly Invitae), Labcorp
Classification: Uncertain significance. Last evaluated: 2024-12-24. Review status: criteria provided, single submitter. Criteria: Invitae Variant Classification Sherloc (09022015). Collection method: clinical testing. Allele origin: germline.
Comment: This sequence change replaces phenylalanine, which is neutral and non-polar, with leucine, which is neutral and non-polar, at codon 179 of the NOG protein (p.Phe179Leu). This variant is present in population databases (rs778378498, gnomAD 0.006%). This variant has not been reported in the literature in individuals affected with NOG-related conditions. An algorithm developed to predict the effect of missense changes on protein structure and function (PolyPhen-2) suggests that this variant is likely to be tolerated. In summary, the available evidence is currently insufficient to determine the role of this variant in disease. Therefore, it has been classified as a Variant of Uncertain Significance.